The following is an entry in ClinVar:

ClinVar aggregate classification (germline): Uncertain significance. Review status: criteria provided, multiple submitters, no conflicts (2 of 4 stars). 2 submissions from 2 submitters: Uncertain significance (2). Last evaluated 2023-05-30.

Conditions:
Charcot-Marie-Tooth disease type 2. Also called: Charcot-Marie-Tooth type 2. Identifiers: Orphanet 64746, MedGen C0270914, MONDO:0018993.

Submissions (2):

Ambry Genetics
Classification: Uncertain significance. Last evaluated: 2023-05-30. Review status: criteria provided, single submitter. Criteria: Ambry Variant Classification Scheme 2023. Collection method: clinical testing. Allele origin: germline.
Comment: The p.S754Y variant (also known as c.2261C>A), located in coding exon 22 of the KIF1B gene, results from a C to A substitution at nucleotide position 2261. The serine at codon 754 is replaced by tyrosine, an amino acid with dissimilar properties. This amino acid position is conserved. In addition, this alteration is predicted to be deleterious by in silico analysis. Since supporting evidence is limited at this time, the clinical significance of this alteration remains unclear.

Labcorp Genetics (formerly Invitae), Labcorp
Classification: Uncertain significance for Charcot-Marie-Tooth disease type 2. Last evaluated: 2019-11-18. Review status: criteria provided, single submitter. Criteria: Invitae Variant Classification Sherloc (09022015). Collection method: clinical testing. Allele origin: germline.
Comment: This variant has not been reported in the literature in individuals with KIF1B-related conditions. This variant is not present in population databases (ExAC no frequency). This sequence change replaces serine with tyrosine at codon 754 of the KIF1B protein (p.Ser754Tyr). The serine residue is highly conserved and there is a large physicochemical difference between serine and tyrosine. Algorithms developed to predict the effect of missense changes on protein structure and function are either unavailable or do not agree on the potential impact of this missense change (SIFT: "Deleterious"; PolyPhen-2: "Probably Damaging"; Align-GVGD: "Class C0"). In summary, the available evidence is currently insufficient to determine the role of this variant in disease. Therefore, it has been classified as a Variant of Uncertain Significance.

NM_001365951.3(KIF1B):c.2399C>A (p.Ser800Tyr)

Gene: KIF1B (kinesin family member 1B; plus strand). Cytogenetic location: 1p36.22.
Variant type: single nucleotide variant.
Coding change: c.2399C>A on transcript NM_001365951.3 (MANE Select); coding-DNA position 2399, C replaced by A.
Protein change: p.Ser800Tyr; replaces serine 800 with tyrosine.
Molecular consequence: missense variant.
Genome position (GRCh38, 1-based): chr1:10,323,924, C>A. VCF-style: chr1-10323924-C-A. GRCh37 (hg19) VCF-style: chr1-10383982-C-A.
Other names: c.2399C>A, p.Ser800Tyr (NM_001365952.1); c.2261C>A, p.Ser754Tyr (NM_015074.3); short protein forms S800Y, S754Y.
Identifiers: ClinVar variation 956176 (VCV000956176.11), dbSNP rs1651619501, ClinGen allele CA338334453.
Genomic context (GRCh38, chr1:10,323,924, plus strand): 5'-GGTTTATTCTTTCTATTCAGGTGCAGTTTCAGTTTGTTCTGCTGACTGACACACTGTACT[C>A]CCCTTTGCCTCCTGAATTACTTCCCACTGAGATGGAAAAAACTCATGAGGACAGGCCTTT-3'
Protein context (NP_001352880.1, residues 790-810): QFVLLTDTLY[Ser800Tyr]PLPPELLPTE